The following is an entry in ClinVar:

ClinVar aggregate classification (germline): Pathogenic. Review status: reviewed by expert panel (3 of 4 stars). 5 submissions from 5 submitters: Pathogenic (1). 4 of the submissions do not count toward it. Last evaluated 2026-07-20.

Conditions:
CEP290-related ciliopathy. Also called: CEP290 ciliopathy. Identifiers: MedGen CN305601, MONDO:0100451.
Bardet-Biedl syndrome 14 (BBS14). Identifiers: Orphanet 110, MedGen C2673874, MONDO:0014442, OMIM 615991.
Meckel-Gruber syndrome. Also called: DYSENCEPHALIA SPLANCHNOCYSTICA; GRUBER SYNDROME; Dysencephalia splachnocystica. Identifiers: Orphanet 564, MedGen C0265215, MONDO:0018921.
Nephronophthisis. Also called: Juvenile Nephronophthisis. Identifiers: Orphanet 655, MedGen C0687120, MONDO:0019005, HP:0000090.
Joubert syndrome. Also called: JOUBERT-BOLTSHAUSER SYNDROME; Familial aplasia of the vermis. Identifiers: Orphanet 475, MedGen C5979921, MONDO:0018772.

Submissions (5):

ClinGen Leber Congenital Amaurosis/early Onset Retinal Dystrophy Variant Curation Expert Panel, ClinGen
Classification: Pathogenic for CEP290-related ciliopathy. Last evaluated: 2026-07-20. Review status: reviewed by expert panel. Criteria: ClinGen LCAeoRD ACMG Specifications CEP290 V1.0.0. Collection method: curation. Allele origin: germline. Inheritance: Autosomal recessive inheritance.
Comment: NM_025114.4(CEP290):c.4115_4116del (p.Ile1372LysfsTer5) is a frameshift variant that introduces a premature stop codon into exon 32 of 54 and is predicted to lead to nonsense-mediated decay in a gene in which loss-of-function is an established mechanism of disease (PVS1). This variant is present in gnomAD v.4.1.1 at a total allele frequency of 0.000007111, with 9 alleles / 1,265,650 total alleles, which is lower than the ClinGen LCA/eoRD VCEP PM2_Supporting threshold of <0.0006 (PM2_Supporting). This variant has been reported in at least 1 proband with early-onset severe retinal dystrophy who harbored the variant in the compound heterozygous state with the NM_025114.4(CEP290):c.2991+1655A>G variant confirmed in trans (PMID: 16909394). However, the proband was not counted for PM3 in order to avoid circularity. The proband harboring this variant exhibited a phenotype including diagnosis of Leber congenital amaurosis (0.5 pts), onset before age 1 year (0.5 pts), large head circumference, normal brain MRI and ultrasound results, normal kidney ultrasound results, lack of fixation or ability to follow a near target (indicating severely reduced visual acuity, 0.5 pts), undetectable electroretinogram responses from both rods (0.5 pts) and cones (0.5 pts), oculodigital sign (0.5 pts), hyperopia, narrow retinal vessels (0.5 pts), retinal pigment epithelium mottling (0.5 pts), and multiple white intraretinal dots, which together are specific for CEP290-related ciliopathy (total 4 points, PMID: 16909394, PP4). In summary, this variant meets the criteria to be classified as Pathogenic for CEP290-related ciliopathy based on the ACMG/AMP criteria applied, as specified by the ClinGen LCA/eoRD VCEP: PVS1, PM2_Supporting, and PP4. ((LCA/eoRD VCEP Specifications for CEP290 Version 1.0.0)

GeneDx
Classification: Pathogenic. Last evaluated: 2023-06-06. Review status: criteria provided, single submitter. Criteria: GeneDx Variant Classification Process June 2021. Collection method: clinical testing. Allele origin: germline. Affected: yes. Not counted in ClinVar's aggregate classification.
Comment: Observed with a frameshift variant on the opposite allele (in trans) in a patient with postaxial polydactyly, cystic kidney, and bile-duct proliferation in the published literature (Baala et al., 2007); Frameshift variant predicted to result in protein truncation or nonsense mediated decay in a gene for which loss-of-function is a known mechanism of disease; Not observed in large population cohorts (gnomAD); This variant is associated with the following publications: (PMID: 16909394, 17564974, 19466712, 17964524)

Baylor Genetics
Classification: Pathogenic for Bardet-Biedl syndrome 14. Last evaluated: 2022-12-01. Review status: criteria provided, single submitter. Criteria: ACMG Guidelines, 2015. Collection method: clinical testing. Allele origin: unknown. Not counted in ClinVar's aggregate classification.

Labcorp Genetics (formerly Invitae), Labcorp
Classification: Pathogenic for Joubert syndrome; Meckel-Gruber syndrome; Nephronophthisis. Last evaluated: 2021-12-12. Review status: criteria provided, single submitter. Criteria: Invitae Variant Classification Sherloc (09022015). Collection method: clinical testing. Allele origin: germline. Not counted in ClinVar's aggregate classification.
Comment: For these reasons, this variant has been classified as Pathogenic. ClinVar contains an entry for this variant (Variation ID: 99853). This variant is also known as p.Ile1372LysfsX4. This premature translational stop signal has been observed in individual(s) with Leber congenital amaurosis (PMID: 16909394). This variant is not present in population databases (gnomAD no frequency). This sequence change creates a premature translational stop signal (p.Ile1372Lysfs*5) in the CEP290 gene. It is expected to result in an absent or disrupted protein product. Loss-of-function variants in CEP290 are known to be pathogenic (PMID: 16909394, 17345604, 20690115).

Retina International
No classification provided. Review status: no classification provided. Collection method: not provided. Allele origin: not provided. Not counted in ClinVar's aggregate classification.

Literature cited by the submitters: PubMed 16909394 (cited by Labcorp Genetics (formerly Invitae), Labcorp); PubMed 17345604 (cited by Labcorp Genetics (formerly Invitae), Labcorp); PubMed 20690115 (cited by Labcorp Genetics (formerly Invitae), Labcorp).

NM_025114.4(CEP290):c.4115_4116del (p.Ile1372fs)

Gene: CEP290 (centrosomal protein 290; minus strand). Cytogenetic location: 12q21.32.
Variant type: Deletion.
Coding change: c.4115_4116del on transcript NM_025114.4 (MANE Select); coding-DNA positions 4115 to 4116, 2 bases deleted (TA; older notation c.4115_4116delTA).
Protein change: p.Ile1372fs; shifts the reading frame from isoleucine 1372.
Molecular consequence: frameshift variant.
Genome position (GRCh38, 1-based): chr12:88,087,858-88,087,859, TA deleted on the plus strand (TA on the coding strand, the reverse complement: CEP290 is on the minus strand); deleting any 2 consecutive bases within chr12:88,087,858-88,087,860 gives the same sequence; the c. name uses the placement nearest the transcript's 3' end. VCF-style (leftmost placement, unchanged base first): chr12-88087857-TTA-T. GRCh37 (hg19) VCF-style: chr12-88481634-TTA-T.
Other names: NM_025114.4(CEP290):c.4115_4116del; p.Ile1372fs; c.4115_4116delTA (NM_025114.3); c.4115_4116del (NM_025114.3); short protein forms I1372fs.
Identifiers: ClinVar variation 99853 (VCV000099853.9), dbSNP rs62640582, ClinGen allele CA227969.